The following is an entry in ClinVar:

NM_001012426.2(FOXP4):c.97G>A (p.Gly33Arg)

Gene: FOXP4 (forkhead box P4; plus strand). Cytogenetic location: 6p21.1.
Variant type: single nucleotide variant.
Coding change: c.97G>A on transcript NM_001012426.2 (MANE Select); coding-DNA position 97, G replaced by A.
Protein change: p.Gly33Arg; replaces glycine 33 with arginine.
Molecular consequence: missense variant.
Genome position (GRCh38, 1-based): chr6:41,565,857, G>A. VCF-style: chr6-41565857-G-A. GRCh37 (hg19) VCF-style: chr6-41533595-G-A.
Other names: c.97G>A, p.Gly33Arg (NM_001012427.2, NM_001405824.1, NM_001405825.1 and 2 more transcripts); short protein forms G33R.
Identifiers: ClinVar variation 3024777 (VCV003024777.22), dbSNP rs41273784, ClinGen allele CA3800256.

ClinVar aggregate classification (germline): Likely benign (1 of 4 stars; one submission).

Allele frequency attached by ClinVar (database versions not stated): ESP Exome Variant Server 0.00439; 1000 Genomes Project 30x 0.00109; 1000 Genomes Project 0.00140; TOPMed 0.00236; gnomAD 0.00287; ExAC 0.00362; gnomAD exomes 0.00412.

Submission:

CeGaT Center for Human Genetics Tuebingen
Classification: Likely benign. Last evaluated: 2026-07-01. Review status: criteria provided, single submitter. Criteria: CeGaT Center For Human Genetics Tuebingen Variant Classification Criteria Version 2. Collection method: clinical testing. Allele origin: germline. Affected: yes. Observed: 17 variant alleles.
Comment: FOXP4: BP4, BS2